The following is an entry in ClinVar:

ClinVar aggregate classification (germline): Uncertain significance. Review status: criteria provided, multiple submitters, no conflicts (2 of 4 stars). 3 submissions from 3 submitters: Uncertain significance (2). 1 of the submissions does not count toward it. Last evaluated 2026-01-18.

Conditions:
CDC73-related disorder. Also called: CDC73-related disorders; CDC73-related condition. Identifiers: MedGen CN169292.
Hereditary cancer-predisposing syndrome. Also called: Hereditary neoplastic syndrome; Neoplastic Syndromes, Hereditary; Hereditary Cancer Syndrome; Tumor predisposition. Identifiers: Orphanet 140162, MedGen C0027672, MeSH D009386, MONDO:0015356.
Parathyroid carcinoma (PRTC). Also called: CDC73-Related Parathyroid Carcinoma; Parathyroid gland carcinoma. Identifiers: Orphanet 143, MedGen C0687150, MONDO:0012004, OMIM 608266, HP:0006780.

Allele frequency attached by ClinVar (database versions not stated): gnomAD exomes below 0.00001 and 0.00001; gnomAD 0.00001; TOPMed 0.00001.
gnomAD v4.1: 12 of 1,608,146 alleles (0.00075%); highest among the groups gnomAD compares: Non-Finnish European, 0.001%; no homozygotes.

Submissions (3):

Labcorp Genetics (formerly Invitae), Labcorp
Classification: Uncertain significance for Parathyroid carcinoma. Last evaluated: 2026-01-18. Review status: criteria provided, single submitter. Criteria: Invitae Variant Classification Sherloc (09022015). Collection method: clinical testing. Allele origin: germline.
Comment: This sequence change replaces isoleucine, which is neutral and non-polar, with threonine, which is neutral and polar, at codon 249 of the CDC73 protein (p.Ile249Thr). This variant is present in population databases (no rsID available, gnomAD 0.0009%). This variant has not been reported in the literature in individuals affected with CDC73-related conditions. ClinVar contains an entry for this variant (Variation ID: 970880). Invitae Evidence Modeling of protein sequence and biophysical properties (such as structural, functional, and spatial information, amino acid conservation, physicochemical variation, residue mobility, and thermodynamic stability) indicates that this missense variant is expected to disrupt CDC73 protein function with a positive predictive value of 80%. In summary, the available evidence is currently insufficient to determine the role of this variant in disease. Therefore, it has been classified as a Variant of Uncertain Significance.

Ambry Genetics
Classification: Uncertain significance for Hereditary cancer-predisposing syndrome. Last evaluated: 2025-03-07. Review status: criteria provided, single submitter. Criteria: Ambry Variant Classification Scheme 2023. Collection method: clinical testing. Allele origin: germline.
Comment: The p.I249T variant (also known as c.746T>C), located in coding exon 8 of the CDC73 gene, results from a T to C substitution at nucleotide position 746. The isoleucine at codon 249 is replaced by threonine, an amino acid with similar properties. This amino acid position is highly conserved in available vertebrate species. In addition, this alteration is predicted to be deleterious by in silico analysis. Since supporting evidence is limited at this time, the clinical significance of this alteration remains unclear.

PreventionGenetics, part of Exact Sciences
Classification: Uncertain significance for CDC73-related condition. Last evaluated: 2024-08-22. Review status: no assertion criteria provided. Collection method: clinical testing. Allele origin: germline. Not counted in ClinVar's aggregate classification.
Comment: The CDC73 c.746T>C variant is predicted to result in the amino acid substitution p.Ile249Thr. To our knowledge, this variant has not been reported in the literature. This variant is reported in 0.00089% of alleles in individuals of European (Non-Finnish) descent in gnomAD. This variant has interpretations of uncertain significance from multiple labs in ClinVar. At this time, the clinical significance of this variant is uncertain due to the absence of conclusive functional and genetic evidence.

NM_024529.5(CDC73):c.746T>C (p.Ile249Thr)

Gene: CDC73 (cell division cycle 73; plus strand). Cytogenetic location: 1q31.2.
Variant type: single nucleotide variant.
Coding change: c.746T>C on transcript NM_024529.5 (MANE Select); coding-DNA position 746, T replaced by C.
Protein change: p.Ile249Thr; replaces isoleucine 249 with threonine.
Molecular consequence: missense variant.
Genome position (GRCh38, 1-based): chr1:193,147,883, T>C. VCF-style: chr1-193147883-T-C. GRCh37 (hg19) VCF-style: chr1-193117013-T-C.
Other names: short protein forms I249T.
Identifiers: ClinVar variation 970880 (VCV000970880.13), dbSNP rs973863694, ClinGen allele CA34377791.